The following is an entry in ClinVar:

NC_000006.11:g.(?_129663468)_(129663647_?)del

Gene: LAMA2 (laminin subunit alpha 2; plus strand). Cytogenetic location: 6q22.33.
Variant type: Deletion.
Identifiers: ClinVar variation 3246052 (VCV003246052.1).

ClinVar aggregate classification (germline): Pathogenic (1 of 4 stars; one submission).

Conditions:
LAMA2-related muscular dystrophy (LAMA2-RD). Also called: Laminin alpha 2-related dystrophy. Identifiers: MedGen C5679788, MONDO:0100228.

Submission:

Labcorp Genetics (formerly Invitae), Labcorp
Classification: Pathogenic for LAMA2-related muscular dystrophy. Last evaluated: 2023-01-01. Review status: criteria provided, single submitter. Criteria: Invitae Variant Classification Sherloc (09022015). Collection method: clinical testing. Allele origin: unknown.
Comment: For these reasons, this variant has been classified as Pathogenic. A similar copy number variant has been observed in individual(s) with LAMA2-related muscular dystrophy (PMID: 30301903). This variant is a gross deletion of the genomic region encompassing exon(s) 30 of the LAMA2 gene. This deletion is out-of-frame, and is expected to create a premature termination codon and result in an absent or disrupted protein product. Loss-of-function variants in LAMA2 are known to be pathogenic (PMID: 18700894, 32904964).

Literature cited by the submitters: PubMed 30301903; PubMed 18700894; PubMed 32904964.